The following is an entry in ClinVar:

NM_007118.4(TRIO):c.6877GGC[2] (p.Gly2295_Gly2298del)

Gene: TRIO (trio Rho guanine nucleotide exchange factor; plus strand). Cytogenetic location: 5p15.2.
Variant type: Microsatellite.
Coding change: c.6877GGC[2] on transcript NM_007118.4 (MANE Select); two copies in a row of the 3-base unit GGC starting at c.6877; the reference has six copies in a row; four copies, 12 bases deleted.
Protein change: p.Gly2295_Gly2298del.
Molecular consequence: inframe deletion. On other transcripts: non-coding transcript variant (1).
Genome position (GRCh38, 1-based): chr5:14,487,511-14,487,522, GGCGGCGGCGGC deleted; deleting any 12 consecutive bases within chr5:14,487,505-14,487,522 gives the same sequence; the position shown is the placement nearest the transcript's 3' end. VCF-style (leftmost placement, unchanged base first): chr5-14487504-GGGCGGCGGCGGC-G. GRCh37 (hg19) VCF-style: chr5-14487613-GGGCGGCGGCGGC-G.
Identifiers: ClinVar variation 2655339 (VCV002655339.24), dbSNP rs749785358, ClinGen allele CA1528770690.

ClinVar aggregate classification (germline): Uncertain significance (1 of 4 stars; one submission).

Submission:

CeGaT Center for Human Genetics Tuebingen
Classification: Uncertain significance. Last evaluated: 2023-02-01. Review status: criteria provided, single submitter. Criteria: CeGaT Center For Human Genetics Tuebingen Variant Classification Criteria Version 2. Collection method: clinical testing. Allele origin: germline. Affected: yes. Observed: 1 variant allele.
Comment: TRIO: PM2, PM4